The following is an entry in ClinVar:

NM_014332.3(SMPX):c.106A>G (p.Lys36Glu)

Gene: SMPX (small muscle protein X-linked; minus strand). Cytogenetic location: Xp22.12.
Variant type: single nucleotide variant.
Coding change: c.106A>G on transcript NM_014332.3 (MANE Select); coding-DNA position 106, A replaced by G.
Protein change: p.Lys36Glu; replaces lysine 36 with glutamic acid.
Molecular consequence: missense variant. On other transcripts: non-coding transcript variant (1).
Genome position (GRCh38, 1-based): chrX:21,743,776, T>C on the plus strand (A>G on the coding strand, the complement: SMPX is on the minus strand). VCF-style: chrX-21743776-T-C. GRCh37 (hg19) VCF-style: chrX-21761894-T-C.
Other names: short protein forms K36E.
Identifiers: ClinVar variation 4747991 (VCV004747991.1).

ClinVar aggregate classification (germline): Uncertain significance (1 of 4 stars; one submission).

gnomAD v4.1: 5 of 1,209,538 alleles (0.00041%); highest among the groups gnomAD compares: South Asian, 0.0053%; no homozygotes.

Submission:

Labcorp Genetics (formerly Invitae), Labcorp
Classification: Uncertain significance. Last evaluated: 2025-10-06. Review status: criteria provided, single submitter. Criteria: Invitae Variant Classification Sherloc (09022015). Collection method: clinical testing. Allele origin: germline.
Comment: This sequence change replaces lysine, which is basic and polar, with glutamic acid, which is acidic and polar, at codon 36 of the SMPX protein (p.Lys36Glu). This variant is not present in population databases (gnomAD no frequency). This variant has not been reported in the literature in individuals affected with SMPX-related conditions. An algorithm developed to predict the effect of missense changes on protein structure and function (PolyPhen-2) suggests that this variant is likely to be tolerated. In summary, the available evidence is currently insufficient to determine the role of this variant in disease. Therefore, it has been classified as a Variant of Uncertain Significance.